The following is an entry in ClinVar:

ClinVar aggregate classification (germline): Pathogenic (1 of 4 stars; one submission).

Conditions:
Primary ciliary dyskinesia. Also called: Ciliary dyskinesia. Identifiers: Orphanet 244, MedGen C0008780, MONDO:0016575, HP:0012265.

Submission:

Labcorp Genetics (formerly Invitae), Labcorp
Classification: Pathogenic for Primary ciliary dyskinesia. Last evaluated: 2025-08-30. Review status: criteria provided, single submitter. Criteria: Invitae Variant Classification Sherloc (09022015). Collection method: clinical testing. Allele origin: germline.
Comment: This variant results in the deletion of part of exon 26 (c.4673_4725+36del) of the DNAH11 gene. It is expected to disrupt RNA splicing. Variants that disrupt the donor or acceptor splice site typically lead to a loss of protein function (PMID: 16199547), and loss-of-function variants in DNAH11 are known to be pathogenic (PMID: 18022865, 20513915, 22184204). This variant is not present in population databases (gnomAD no frequency). This variant has been observed in individual(s) with clinical features of DNAH11-related conditions (internal data). Algorithms developed to predict the effect of sequence changes on RNA splicing suggest that this variant may disrupt the consensus splice site. For these reasons, this variant has been classified as Pathogenic.

Literature cited by the submitters: PubMed 16199547; PubMed 18022865; PubMed 20513915; PubMed 22184204.

NM_001277115.2(DNAH11):c.4673_4725+36del

Gene: DNAH11 (dynein axonemal heavy chain 11; plus strand). Cytogenetic location: 7p15.3.
Variant type: Deletion.
Coding change: c.4673_4725+36del on transcript NM_001277115.2 (MANE Select); coding-DNA position 4673 through 36 bases into the intron after coding-DNA position 4725, 89 bases deleted.
Molecular consequence: splice donor variant.
Genome position (GRCh38, 1-based): chr7:21,636,043-21,636,131, 89 bases deleted. GRCh37 (hg19): chr7:21,675,661-21,675,749.
Identifiers: ClinVar variation 2731933 (VCV002731933.3), dbSNP rs2534772431, ClinGen allele CA2681981817.